The following is an entry in ClinVar:

NM_001130009.3(GEN1):c.1072-185G>A

Gene: GEN1 (GEN1 Holliday junction 5' flap endonuclease; plus strand). Cytogenetic location: 2p24.2.
Variant type: single nucleotide variant.
Coding change: c.1072-185G>A on transcript NM_001130009.3 (MANE Select); 185 bases into the intron before coding-DNA position 1072, G replaced by A.
Molecular consequence: intron variant.
Genome position (GRCh38, 1-based): chr2:17,774,086, G>A. VCF-style: chr2-17774086-G-A. GRCh37 (hg19) VCF-style: chr2-17955353-G-A.
Other names: c.1072-185G>A (NM_182625.5).
Identifiers: ClinVar variation 873417 (VCV000873417.2), dbSNP rs1305390435, ClinGen allele CA761197644.

ClinVar aggregate classification (germline): Benign (0 of 4 stars; one submission).

Allele frequency attached by ClinVar (database versions not stated): TOPMed 0.00003; gnomAD 0.00005 and 0.00006.
gnomAD v4.1: 7 of 152,038 alleles (0.0046%); highest among the groups gnomAD compares: Non-Finnish European, 0.01%; no homozygotes.

Submission:

King Laboratory, University of Washington
Classification: Benign. Last evaluated: 2019-09-01. Review status: no assertion criteria provided. Collection method: research. Allele origin: germline. Affected: yes.
Comment: Transcript analysis by cBROCA

Literature cited by the submitters: PubMed 31843900.